The following is an entry in ClinVar:

ClinVar aggregate classification (germline): Benign/Likely benign. Review status: criteria provided, multiple submitters, no conflicts (2 of 4 stars). 6 submissions from 6 submitters: Benign (3); Likely benign (3). Last evaluated 2026-09-01.

Conditions:
Autosomal dominant cerebellar ataxia. Also called: Spinocerebellar Ataxia, Dominant. Identifiers: Orphanet 99, MedGen C4087347, MONDO:0020380.

Allele frequency attached by ClinVar (database versions not stated): gnomAD exomes 0.00025 and 0.00058; ExAC 0.00075; ESP Exome Variant Server 0.00213; 1000 Genomes Project 30x 0.00219; 1000 Genomes Project 0.00220; gnomAD 0.00265 and 0.00289; TOPMed 0.00300.
gnomAD v4.1: 792 of 1,608,428 alleles (0.049%); highest among the groups gnomAD compares: African/African-American, 0.89%; 2 homozygotes.

Submissions (6):

CeGaT Center for Human Genetics Tuebingen
Classification: Likely benign. Last evaluated: 2026-09-01. Review status: criteria provided, single submitter. Criteria: CeGaT Center For Human Genetics Tuebingen Variant Classification Criteria Version 2. Collection method: clinical testing. Allele origin: germline. Affected: yes. Observed: 2 variant alleles.
Comment: ITPR1: BP4, BP7

Labcorp Genetics (formerly Invitae), Labcorp
Classification: Benign. Last evaluated: 2026-01-04. Review status: criteria provided, single submitter. Criteria: Invitae Variant Classification Sherloc (09022015). Collection method: clinical testing. Allele origin: germline.

Blueprint Genetics
Classification: Likely benign. Last evaluated: 2024-10-22. Review status: criteria provided, single submitter. Criteria: ACMG Guidelines, 2015. Collection method: clinical testing. Allele origin: germline.

Athena Diagnostics
Classification: Benign. Last evaluated: 2024-05-31. Review status: criteria provided, single submitter. Criteria: Athena Diagnostics Criteria. Collection method: clinical testing. Allele origin: unknown.

GeneDx
Classification: Likely benign. Last evaluated: 2021-04-24. Review status: criteria provided, single submitter. Criteria: GeneDx Variant Classification Process June 2021. Collection method: clinical testing. Allele origin: germline. Affected: yes.

Illumina Laboratory Services, Illumina
Classification: Benign for Spinocerebellar Ataxia, Dominant. Last evaluated: 2018-01-12. Review status: criteria provided, single submitter. Criteria: ICSL Variant Classification Criteria 13 December 2019. Collection method: clinical testing. Allele origin: germline.
Comment: This variant was observed in the ICSL laboratory as part of a predisposition screen in an ostensibly healthy population. It had not been previously curated by ICSL or reported in the Human Gene Mutation Database (HGMD: prior to June 1st, 2018), and was therefore a candidate for classification through an automated scoring system. Utilizing variant allele frequency, disease prevalence and penetrance estimates, and inheritance mode, an automated score was calculated to assess if this variant is too frequent to cause the disease. Based on the score and internal cut-off values, a variant classified as benign is not then subjected to further curation. The score for this variant resulted in a classification of benign for this disease.

Literature cited by the submitters: PubMed 31811783 (cited by Athena Diagnostics).

NM_001378452.1(ITPR1):c.2439G>A (p.Ser813=)

Gene: ITPR1 (inositol 1,4,5-trisphosphate receptor type 1; plus strand). Cytogenetic location: 3p26.1.
Variant type: single nucleotide variant.
Coding change: c.2439G>A on transcript NM_001378452.1 (MANE Select); coding-DNA position 2439, G replaced by A.
Protein change: p.Ser813=; no amino-acid change (serine 813 retained).
Molecular consequence: synonymous variant.
Genome position (GRCh38, 1-based): chr3:4,673,370, G>A. VCF-style: chr3-4673370-G-A. GRCh37 (hg19) VCF-style: chr3-4715054-G-A.
Other names: c.2439G>A, p.Ser813= (NM_001099952.4); c.2394G>A, p.Ser798= (NM_001168272.2, NM_002222.7).
Identifiers: ClinVar variation 345715 (VCV000345715.22), dbSNP rs35946460, ClinGen allele CA2231416.